The following is an entry in ClinVar:

ClinVar aggregate classification (germline): Uncertain significance. Review status: criteria provided, multiple submitters, no conflicts (2 of 4 stars). 2 submissions from 2 submitters: Uncertain significance (2). Last evaluated 2025-11-01.

Conditions:
Inborn genetic diseases. Identifiers: MedGen C0950123, MeSH D030342.

Allele frequency attached by ClinVar (database versions not stated): gnomAD 0.00001; TOPMed 0.00005; ExAC 0.00007; ESP Exome Variant Server 0.00008; gnomAD exomes 0.00011.
gnomAD v4.1: 157 of 1,613,910 alleles (0.0097%); highest among the groups gnomAD compares: Non-Finnish European, 0.013%; no homozygotes.

Submissions (2):

Labcorp Genetics (formerly Invitae), Labcorp
Classification: Uncertain significance. Last evaluated: 2025-11-01. Review status: criteria provided, single submitter. Criteria: Invitae Variant Classification Sherloc (09022015). Collection method: clinical testing. Allele origin: germline.
Comment: This sequence change replaces alanine, which is neutral and non-polar, with valine, which is neutral and non-polar, at codon 1911 of the FN1 protein (p.Ala1911Val). This variant is present in population databases (rs374112006, gnomAD 0.01%), and has an allele count higher than expected for a pathogenic variant. This variant has not been reported in the literature in individuals affected with FN1-related conditions. ClinVar contains an entry for this variant (Variation ID: 2076796). An algorithm developed to predict the effect of missense changes on protein structure and function (PolyPhen-2) suggests that this variant is likely to be disruptive. In summary, the available evidence is currently insufficient to determine the role of this variant in disease. Therefore, it has been classified as a Variant of Uncertain Significance.

Ambry Genetics
Classification: Uncertain significance for Inborn genetic diseases. Last evaluated: 2023-04-07. Review status: criteria provided, single submitter. Criteria: Ambry Variant Classification Scheme 2023. Collection method: clinical testing. Allele origin: germline.

NM_212482.4(FN1):c.5732C>T (p.Ala1911Val)

Gene: FN1 (fibronectin 1; minus strand). Cytogenetic location: 2q35.
Variant type: single nucleotide variant.
Coding change: c.5732C>T on transcript NM_212482.4 (MANE Select); coding-DNA position 5732, C replaced by T.
Protein change: p.Ala1911Val; replaces alanine 1911 with valine.
Molecular consequence: missense variant.
Genome position (GRCh38, 1-based): chr2:215,376,653, G>A on the plus strand (C>T on the coding strand, the complement: FN1 is on the minus strand). VCF-style: chr2-215376653-G-A. GRCh37 (hg19) VCF-style: chr2-216241376-G-A.
Other names: c.5732C>T (NM_212482.1); c.5732C>T, p.Ala1911Val (NM_001306129.2); c.5462C>T, p.Ala1821Val (NM_001306130.2, NM_001365517.2, NM_001365519.2 and 2 more transcripts); c.5189C>T, p.Ala1730Val (NM_001306131.2, NM_001306132.2, NM_001365523.2 and 2 more transcripts); c.5459C>T, p.Ala1820Val (NM_001365518.2, NM_001365520.2, NM_001365524.2 and 2 more transcripts); short protein forms A1820V, A1821V, A1911V, A1730V.
Identifiers: ClinVar variation 2076796 (VCV002076796.6), dbSNP rs374112006, ClinGen allele CA2094043.